The following is an entry in ClinVar:

ClinVar aggregate classification (germline): Uncertain significance. Review status: criteria provided, multiple submitters, no conflicts (2 of 4 stars). 2 submissions from 2 submitters: Uncertain significance (2). Last evaluated 2026-02-03.

Conditions:
Hereditary cancer-predisposing syndrome. Also called: Tumor predisposition; Hereditary Cancer Syndrome; Hereditary neoplastic syndrome; Neoplastic Syndromes, Hereditary. Identifiers: Orphanet 140162, MedGen C0027672, MeSH D009386, MONDO:0015356.
Neuroblastoma, susceptibility to, 3. Also called: ALK-Related Neuroblastic Tumor Susceptibility. Identifiers: Orphanet 635, MedGen C2751681, MONDO:0013083, OMIM 613014.

Submissions (2):

Ambry Genetics
Classification: Uncertain significance for Hereditary cancer-predisposing syndrome. Last evaluated: 2026-02-03. Review status: criteria provided, single submitter. Criteria: Ambry Variant Classification Scheme 2023. Collection method: clinical testing. Allele origin: germline.
Comment: The c.3743+1G>A intronic variant results from a G to A substitution one nucleotide after coding exon 24 of the ALK gene. This nucleotide position is highly conserved in available vertebrate species. In silico splice site analysis predicts that this alteration will weaken the native splice donor site. Alterations that disrupt the canonical splice site are expected to cause aberrant splicing, resulting in an abnormal protein or a transcript that is subject to nonsense-mediated mRNA decay. However, loss of function of ALK has not been clearly established as a mechanism of disease. Since supporting evidence is limited at this time, the clinical significance of this alteration remains unclear.

Labcorp Genetics (formerly Invitae), Labcorp
Classification: Uncertain significance for Neuroblastoma, susceptibility to, 3. Last evaluated: 2022-12-18. Review status: criteria provided, single submitter. Criteria: Invitae Variant Classification Sherloc (09022015). Collection method: clinical testing. Allele origin: germline.
Comment: Algorithms developed to predict the effect of sequence changes on RNA splicing suggest that this variant may disrupt the consensus splice site. In summary, the available evidence is currently insufficient to determine the role of this variant in disease. Therefore, it has been classified as a Variant of Uncertain Significance. ClinVar contains an entry for this variant (Variation ID: 1734489). This sequence change affects a donor splice site in intron 24 of the ALK gene. It is expected to disrupt RNA splicing. Variants that disrupt the donor or acceptor splice site typically lead to a loss of protein function (PMID: 16199547), however the current clinical and genetic evidence is not sufficient to establish whether loss-of-function variants in ALK cause disease. This variant is not present in population databases (gnomAD no frequency). This variant has not been reported in the literature in individuals affected with ALK-related conditions.

Literature cited by the submitters: PubMed 16199547 (cited by Labcorp Genetics (formerly Invitae), Labcorp).

NM_004304.5(ALK):c.3743+1G>A

Gene: ALK (ALK receptor tyrosine kinase; minus strand). Cytogenetic location: 2p23.2.
Variant type: single nucleotide variant.
Coding change: c.3743+1G>A on transcript NM_004304.5 (MANE Select); the canonical splice donor site of the intron after coding-DNA position 3743, G replaced by A.
Molecular consequence: splice donor variant.
Genome position (GRCh38, 1-based): chr2:29,213,983, C>T on the plus strand (G>A on the coding strand, the complement: ALK is on the minus strand). VCF-style: chr2-29213983-C-T. GRCh37 (hg19) VCF-style: chr2-29436849-C-T.
Other names: c.539+1G>A (NM_001353765.2).
Identifiers: ClinVar variation 1734489 (VCV001734489.8), dbSNP rs1333697872, ClinGen allele CA346471041.